The following is an entry in ClinVar:

NM_001385.3(DPYS):c.56dup (p.Ser20fs)

Gene: DPYS (dihydropyrimidinase; minus strand). Cytogenetic location: 8q22.3.
Variant type: Duplication.
Coding change: c.56dup on transcript NM_001385.3 (MANE Select); coding-DNA position 56, one base duplicated (T; older notation c.56dupT).
Protein change: p.Ser20fs; shifts the reading frame from serine 20.
Molecular consequence: frameshift variant.
Genome position (GRCh38, 1-based): chr8:104,466,865, A duplicated on the plus strand (T on the coding strand, the reverse complement: DPYS is on the minus strand); the first of 2 consecutive A bases (chr8:104,466,865-104,466,866); duplicating either gives the same sequence. VCF-style (leftmost placement, unchanged base first): chr8-104466864-G-GA. GRCh37 (hg19) VCF-style: chr8-105479092-G-GA.
Other names: short protein forms S20fs.
Identifiers: ClinVar variation 1395179 (VCV001395179.6), dbSNP rs2140799679, ClinGen allele CA2573142795.

ClinVar aggregate classification (germline): Pathogenic (1 of 4 stars; one submission).

Submission:

Labcorp Genetics (formerly Invitae), Labcorp
Classification: Pathogenic. Last evaluated: 2022-06-13. Review status: criteria provided, single submitter. Criteria: Invitae Variant Classification Sherloc (09022015). Collection method: clinical testing. Allele origin: germline.
Comment: For these reasons, this variant has been classified as Pathogenic. This variant has not been reported in the literature in individuals affected with DPYS-related conditions. This variant is not present in population databases (gnomAD no frequency). This sequence change creates a premature translational stop signal (p.Ser20Leufs*81) in the DPYS gene. It is expected to result in an absent or disrupted protein product. Loss-of-function variants in DPYS are known to be pathogenic (PMID: 20362666).

Literature cited by the submitters: PubMed 20362666.